The following is an entry in ClinVar:

ClinVar aggregate classification (germline): Pathogenic. Review status: criteria provided, multiple submitters, no conflicts (2 of 4 stars). 3 submissions from 3 submitters: Pathogenic (3). Last evaluated 2024-01-12.

Conditions:
Deficiency of steroid 11-beta-monooxygenase (CYP11B1). Also called: STEROID 11-BETA-HYDROXYLASE DEFICIENCY; Congenital adrenal hyperplasia due to 11-beta-hydroxylase deficiency; ADRENAL HYPERPLASIA IV; ADRENAL HYPERPLASIA, CONGENITAL, DUE TO STEROID 11-BETA-HYDROXYLASE DEFICIENCY; 11-BETA-HYDROXYLASE DEFICIENCY; P450C11B1 DEFICIENCY. Identifiers: Orphanet 90795, MedGen C0268292, MONDO:0008729, OMIM 202010. Disease mechanism: loss of function.
Glucocorticoid-remediable aldosteronism. Also called: FH I; GLUCOCORTICOID-SUPPRESSIBLE HYPERALDOSTERONISM; ACTH-DEPENDENT HYPERALDOSTERONISM SYNDROME; ALDOSTERONISM, SENSITIVE TO DEXAMETHASONE; Hyperaldosteronism, familial, type I. Identifiers: Orphanet 403, MedGen C3838731, MONDO:0007080, OMIM 103900.

Allele frequency attached by ClinVar (database versions not stated): gnomAD exomes below 0.00001 and 0.00001.
gnomAD v4.1: 4 of 1,614,146 alleles (0.00025%); highest among the groups gnomAD compares: South Asian, 0.0044%; no homozygotes.

Submissions (3):

Fulgent Genetics
Classification: Pathogenic for Glucocorticoid-remediable aldosteronism; Deficiency of steroid 11-beta-monooxygenase. Last evaluated: 2024-01-12. Review status: criteria provided, single submitter. Criteria: ACMG Guidelines, 2015. Collection method: clinical testing. Allele origin: germline.

Labcorp Genetics (formerly Invitae), Labcorp
Classification: Pathogenic. Last evaluated: 2023-08-28. Review status: criteria provided, single submitter. Criteria: Invitae Variant Classification Sherloc (09022015). Collection method: clinical testing. Allele origin: germline.
Comment: This sequence change creates a premature translational stop signal (p.Gln338*) in the CYP11B1 gene. It is expected to result in an absent or disrupted protein product. Loss-of-function variants in CYP11B1 are known to be pathogenic (PMID: 8506298, 26476331). For these reasons, this variant has been classified as Pathogenic. ClinVar contains an entry for this variant (Variation ID: 940650). This premature translational stop signal has been observed in individual(s) with 11 beta-hydroxylase deficiency (PMID: 8506298, 12966519). This variant is present in population databases (no rsID available, gnomAD 0.006%).

Foundation for Research in Genetics and Endocrinology, FRIGE's Institute of Human Genetics
Classification: Pathogenic for Deficiency of steroid 11-beta-monooxygenase. Last evaluated: 2022-01-10. Review status: criteria provided, single submitter. Criteria: ACMG Guidelines, 2015. Collection method: clinical testing. Allele origin: germline. Inheritance: Autosomal recessive inheritance. Affected: yes. Observed: 1 heterozygote.
Comment: A heterozygous missense variation in exon 6 of the ZMIZ1 gene that results in a stop codon and premature truncation of the protein at codon 409 (p.Gln409Ter) was detected.The c.1225C>T variant has not been reported in the 1000 genomes database and has not been reported in the gnomAD and genome databases. The reference codon is conserved across species.

Literature cited by the submitters: PubMed 8506298 (cited by Labcorp Genetics (formerly Invitae), Labcorp); PubMed 26476331 (cited by Labcorp Genetics (formerly Invitae), Labcorp); PubMed 12966519 (cited by Labcorp Genetics (formerly Invitae), Labcorp).

NM_000497.4(CYP11B1):c.1012C>T (p.Gln338Ter)

Genes: CYP11B1 (cytochrome P450 family 11 subfamily B member 1; minus strand), LOC106799833 (CYP11B1 recombination region; plus strand). Cytogenetic location: 8q24.3.
Variant type: single nucleotide variant.
Coding change: c.1012C>T on transcript NM_000497.4 (MANE Select); coding-DNA position 1012, C replaced by T.
Protein change: p.Gln338Ter; replaces glutamine 338 with a stop codon.
Molecular consequence: nonsense.
Genome position (GRCh38, 1-based): chr8:142,875,821, G>A on the plus strand (C>T on the coding strand, the complement: CYP11B1 is on the minus strand). VCF-style: chr8-142875821-G-A. GRCh37 (hg19) VCF-style: chr8-143957237-G-A.
Other names: p.Gln338Ter; c.1012C>T, p.Gln338Ter (NM_001026213.1); short protein forms Q338*.
Identifiers: ClinVar variation 940650 (VCV000940650.11), dbSNP rs1214983921, ClinGen allele CA372394210.